The following is an entry in ClinVar:

NM_005413.4(SIX3):c.219_221del (p.Pro74del)

Gene: SIX3 (SIX homeobox 3; plus strand). Cytogenetic location: 2p21.
Variant type: Deletion.
Coding change: c.219_221del on transcript NM_005413.4 (MANE Select); coding-DNA positions 219 to 221, 3 bases deleted (CCC; older notation c.219_221delCCC).
Protein change: p.Pro74del; deletes proline 74.
Molecular consequence: inframe deletion.
Genome position (GRCh38, 1-based): chr2:44,942,323-44,942,325, CCC deleted; deleting any 3 consecutive bases within chr2:44,942,319-44,942,325 gives the same sequence; the c. name uses the placement nearest the transcript's 3' end. VCF-style (leftmost placement, unchanged base first): chr2-44942318-GCCC-G. GRCh37 (hg19) VCF-style: chr2-45169457-GCCC-G.
Other names: short protein forms P74del.
Identifiers: ClinVar variation 2429429 (VCV002429429.3), dbSNP rs760462666, ClinGen allele CA2580066542.

ClinVar aggregate classification (germline): Uncertain significance (1 of 4 stars; one submission).

Submission:

Illumina Laboratory Services, Illumina
Classification: Uncertain significance. Last evaluated: 2022-10-20. Review status: criteria provided, single submitter. Criteria: ICSL CNVClassificationCriteria Aug2020. Collection method: clinical testing. Allele origin: unknown. Affected: yes.
Comment: The SIX3 c.219_221del (p.Pro74del) variant results in the deletion of three nucleotides starting at position c.219 and ending at c.221, causing a deletion of the proline residue at amino acid position 74. To our knowledge, this variant has not been reported in the peer-reviewed literature. This variant is not found in version 2.1.1 or version 3.1.2 of the Genome Aggregation Database. Based on the available evidence, the c.219_221del (p.Pro74del) variant is classified as a variant of uncertain significance for SIX3-related holoprosencephaly.